The following is an entry in ClinVar:

ClinVar aggregate classification (germline): Conflicting classifications of pathogenicity. Review status: criteria provided, conflicting classifications (1 of 4 stars). 14 submissions from 14 submitters: Likely pathogenic (1); Uncertain significance (8); Benign (1); Likely benign (4). Last evaluated 2026-07-13.

Conditions:
Cardiovascular phenotype. Identifiers: MedGen CN230736.
DSP-related disorder. Also called: DSP-related condition; DSP-related disorders.
Arrhythmogenic cardiomyopathy with wooly hair and keratoderma. Also called: Dilated cardiomyopathy with woolly hair and keratoderma; Carvajal syndrome; PALMOPLANTAR KERATODERMA WITH LEFT VENTRICULAR CARDIOMYOPATHY AND WOOLLY HAIR; Arrhythmogenic cardiomyopathy with woolly hair and keratoderma. Identifiers: Orphanet 65282, MedGen C1854063, MONDO:0011581, OMIM 605676.
Keratosis palmoplantaris striata 2. Also called: KERATODERMA, PALMOPLANTAR, STRIATE FORM II; STRIATE PALMOPLANTAR KERATODERMA II; Keratosis palmoplantaris striata II. Identifiers: MedGen C1852127, MONDO:0013034, OMIM 612908.
Cardiomyopathy, dilated, with wooly hair, keratoderma, and tooth agenesis. Also called: Cardiomyopathy, dilated, with woolly hair, keratoderma, and tooth agenesis; Erythrokeratodermia-cardiomyopathy syndrome. Identifiers: Orphanet 476096, Orphanet 65282, MedGen C4014393, MONDO:0014355, OMIM 615821.
Lethal acantholytic epidermolysis bullosa (EBLA). Identifiers: Orphanet 158687, MedGen C1864826, MONDO:0012323, OMIM 609638.
Woolly hair-skin fragility syndrome (WHSF). Identifiers: Orphanet 293165, MedGen C1843292, MONDO:0957307, OMIM 620415.
Arrhythmogenic right ventricular dysplasia 8 (ARVD8). Also called: Arrhythmogenic Right Ventricular Dysplasia/Cardiomyopathy 8; ARRHYTHMOGENIC RIGHT VENTRICULAR DYSPLASIA, FAMILIAL, 8; ARRHYTHMOGENIC RIGHT VENTRICULAR CARDIOMYOPATHY 8. Identifiers: MedGen C1843896, MONDO:0011831, OMIM 607450.
Cardiomyopathy (CMYO). Also called: Cardiomyopathies. Identifiers: Orphanet 167848, MedGen C0878544, MONDO:0004994, HP:0001638. Inheritance: Various modes of inheritance.
Primary dilated cardiomyopathy (DCM). Also called: Dilated Cardiomyopathy. Identifiers: Orphanet 217604, MedGen C0007193, MeSH D002311, MONDO:0005021, HP:0001644. Inheritance: Various modes of inheritance.

Allele frequency attached by ClinVar (database versions not stated): gnomAD 0.00004 and 0.00006; ESP Exome Variant Server 0.00008; TOPMed 0.00014.
gnomAD v4.1: 166 of 1,614,150 alleles (0.01%); highest among the groups gnomAD compares: Middle Eastern, 0.2%; no homozygotes.

Submissions (14):

PreventionGenetics, part of Exact Sciences
Classification: Uncertain significance for DSP-related condition. Last evaluated: 2026-07-13. Review status: criteria provided, single submitter. Criteria: ACMG Guidelines, 2015. Collection method: clinical testing. Allele origin: germline.
Comment: The DSP c.2684A>G variant is predicted to result in the amino acid substitution p.Tyr895Cys. This variant has been reported in individuals with DSP-related phenotypes (Shoda et al. 2021. PubMed ID: 34815391; Table 4; Caforio et al. 2020. PubMed ID: 32114801; Table 2Sb; Al‑Shafai et al. 2021. PubMed ID: 34137518; Table S3; Bonaventura et al. 2018. PubMed ID: 31110529). However, this variant is observed in 0.059% of alleles in individuals of South Asian descent in gnomAD v2. Additionally, in gnomAD v4 (available only on GRCh38), it is present in 0.2% of alleles in a subpopulation, which may be too frequent to represent a primary cause of disease. Although we suspect this variant may be benign, at this time its clinical significance remains uncertain due to the absence of conclusive functional and genetic evidence.

Labcorp Genetics (formerly Invitae), Labcorp
Classification: Benign for Arrhythmogenic cardiomyopathy with wooly hair and keratoderma; Arrhythmogenic right ventricular dysplasia 8. Last evaluated: 2026-01-21. Review status: criteria provided, single submitter. Criteria: Invitae Variant Classification Sherloc (09022015). Collection method: clinical testing. Allele origin: germline.

Color Diagnostics, LLC DBA Color Health
Classification: Likely benign for Cardiomyopathy. Last evaluated: 2025-12-11. Review status: criteria provided, single submitter. Criteria: ACMG Guidelines, 2015. Collection method: clinical testing. Allele origin: germline.

Women's Health and Genetics/Laboratory Corporation of America, LabCorp
Classification: Likely benign. Last evaluated: 2024-11-18. Review status: criteria provided, single submitter. Criteria: LabCorp Variant Classification Summary - May 2015. Collection method: clinical testing. Allele origin: germline.
Comment: Variant summary: DSP c.2684A>G (p.Tyr895Cys) results in a non-conservative amino acid change located in the Spectrin/alpha-actinin repeats region (IPR018159) of the encoded protein sequence. Three of five in-silico tools predict a damaging effect of the variant on protein function. The variant allele was found at a frequency of 9.6e-05 in 1607178 control chromosomes, predominantly at a frequency of 0.00055 within the South Asian subpopulation in the gnomAD database (v4.1 dataset). The observed variant frequency within South Asian control individuals in the gnomAD database is approximately 2.75 fold of the estimated maximal expected allele frequency for a pathogenic variant in DSP causing Arrhythmogenic Right Ventricular Dysplasia/Cardiomyopathy phenotype (0.0002). c.2684A>G has been reported in the literature in heterozygous state in at least one individual affected with arrhythmogenic right ventricular cardiomyopathy (ARVC) and in an individual affected with dilated cardiomyopathy (DCM), and was also found in two siblings affected with eosinophilic esophagitis (EoE) (e.g. Caforio_2020, Al-Shafai_2021, Shoda_2021). These reports do not provide unequivocal conclusions about association of the variant with Arrhythmogenic Right Ventricular Dysplasia/Cardiomyopathy. At least one publication reported experimental evidence evaluating the role of this variant in EoE, and found decreased barrier integrity, altered signaling, and increased degradation compared to wild type in human esophageal cell lines (Shoda_2021); authors proposed an association with EoE based on their findings, however they also noted that although these findings might be related to EoE, they are likely distinct from other phenotypes such as arrhythmias. The following publications have been ascertained in the context of this evaluation (PMID: 34815391, 32114801, 34137518). ClinVar contains an entry for this variant (Variation ID: 163257). Based on the evidence outlined above, the variant was classified as likely benign.

All of Us Research Program, National Institutes of Health
Classification: Uncertain significance for Arrhythmogenic cardiomyopathy with wooly hair and keratoderma. Last evaluated: 2024-09-23. Review status: criteria provided, single submitter. Criteria: ACMG Guidelines, 2015. Collection method: clinical testing. Allele origin: germline. Inheritance: Autosomal dominant inheritance. Observed: 39 variant alleles, 39 heterozygotes.
Comment: This missense variant replaces tyrosine with cysteine at codon 895 of the DSP protein. Computational prediction suggests that this variant may not impact protein structure and function (internally defined REVEL score threshold <= 0.5, PMID: 27666373). To our knowledge, functional studies have not been reported for this variant. This variant has been reported in an individual affected with arrhythmogenic right ventricular cardiomyopathy (PMID: 32114801) and in an individual affected with hypertrophic cardiomyopathy (PMID: 31110529). This variant has also been identified in 44/282708 chromosomes in the general population by the Genome Aggregation Database (gnomAD). The available evidence is insufficient to determine the role of this variant in disease conclusively. Therefore, this variant is classified as a Variant of Uncertain Significance.

This study involves interpretation of variants in research participants for the purpose of population health screening. Participant phenotype was not available at the time of variant classification. Additional details can be found in publication PMID: 35346344, PMCID: PMC8962531

Blueprint Genetics
Classification: Likely benign. Last evaluated: 2024-06-21. Review status: criteria provided, single submitter. Criteria: ACMG Guidelines, 2015. Collection method: clinical testing. Allele origin: germline.

Laboratory for Molecular Medicine, Mass General Brigham Personalized Medicine
Classification: Uncertain significance. Last evaluated: 2022-06-23. Review status: criteria provided, single submitter. Criteria: ACMG Guidelines, 2015. Collection method: clinical testing. Allele origin: germline.
Comment: The p.Tyr895Cys variant in DSP has been seen in 2 individuals with Arrhythmogenic right ventricular cardiomyopathy (Caforio 2020 PMID: 32114801, LMM data). It has also been identified in 0.08% (6/7212) of Other and 0.059% (18/30616) of South Asian chromosomes by gnomAD. This variant has also been reported in ClinVar (Variation ID 163257). Computational prediction tools and conservation analyses do not provide strong support for or against an impact to the protein. In summary, the clinical significance of this variant is uncertain. ACMG/AMP Criteria applied: PS4_Supporting, BS1.

Ambry Genetics
Classification: Likely benign for Cardiovascular phenotype. Last evaluated: 2022-06-08. Review status: criteria provided, single submitter. Criteria: Ambry Variant Classification Scheme 2023. Collection method: clinical testing. Allele origin: germline.

Fulgent Genetics
Classification: Uncertain significance for Arrhythmogenic cardiomyopathy with wooly hair and keratoderma; Arrhythmogenic right ventricular dysplasia 8; Lethal acantholytic epidermolysis bullosa; Keratosis palmoplantaris striata 2; Cardiomyopathy, dilated, with wooly hair, keratoderma, and tooth agenesis. Last evaluated: 2021-10-02. Review status: criteria provided, single submitter. Criteria: ACMG Guidelines, 2015. Collection method: clinical testing. Allele origin: unknown.

GeneDx
Classification: Uncertain significance. Last evaluated: 2021-02-15. Review status: criteria provided, single submitter. Criteria: GeneDx Variant Classification Process June 2021. Collection method: clinical testing. Allele origin: germline. Affected: yes.
Comment: In silico analysis supports that this missense variant has a deleterious effect on protein structure/function; Reported in ClinVar but additional evidence is not available (ClinVar Variant ID#163257; Landrum et al., 2016); This variant is associated with the following publications: (PMID: 26112015, 31110529)

ARUP Laboratories, Molecular Genetics and Genomics, ARUP Laboratories
Classification: Uncertain significance. Last evaluated: 2017-05-17. Review status: criteria provided, single submitter. Criteria: ARUP Molecular Germline Variant Investigation Process. Collection method: clinical testing. Allele origin: germline.
Comment: The p.Tyr895Cys variant (rs367752002) has not been reported in the medical literature nor has it been previously identified in our laboratory; however, it is listed in the ClinVar database as a variant of uncertain significance (Variation ID: 163257). It is listed in the Genome Aggregation Database (gnomAD) browser with an overall frequency of 0.0004% (identified in 41 out of 277,050 chromosomes). The tyrosine at codon 895 is moderately conserved considering 12 species (Alamut software v2.9), and computational analyses return mixed results regarding the effect of this variant on DSP protein structure/function (SIFT: tolerated, PolyPhen2: possibly damaging, and Mutation Taster: disease causing). Thus, based on the available information, the clinical significance of the p.Tyr895Cys variant cannot be determined with certainty.

Breakthrough Genomics
Classification: Uncertain significance. Review status: criteria provided, single submitter. Criteria: ACMG Guidelines, 2015. Collection method: not provided. Allele origin: germline. Inheritance: Autosomal recessive inheritance. Affected: yes.

Genetics and Genomics Program, Sidra Medicine
Classification: Uncertain significance for Primary dilated cardiomyopathy. Review status: criteria provided, single submitter. Criteria: ACMG Guidelines, 2015. Collection method: research. Allele origin: unknown. Affected: yes. Observed: 1 variant allele.

Genomic Medicine Center of Excellence, King Faisal Specialist Hospital and Research Centre
Classification: Likely pathogenic. Review status: criteria provided, single submitter. Criteria: ACMG Guidelines, 2015. Collection method: research. Allele origin: germline. Affected: yes.

Literature cited by the submitters: PubMed 34137518 (cited by Women's Health and Genetics/Laboratory Corporation of America, LabCorp); PubMed 34815391 (cited by Women's Health and Genetics/Laboratory Corporation of America, LabCorp); PubMed 32114801 (cited by 3 submitters); PubMed 31110529 (cited by All of Us Research Program, National Institutes of Health and Ambry Genetics); PubMed 28611029 (cited by Ambry Genetics).

NM_004415.4(DSP):c.2684A>G (p.Tyr895Cys)

Gene: DSP (desmoplakin; plus strand). Cytogenetic location: 6p24.3.
Variant type: single nucleotide variant.
Coding change: c.2684A>G on transcript NM_004415.4 (MANE Select); coding-DNA position 2684, A replaced by G.
Protein change: p.Tyr895Cys; replaces tyrosine 895 with cysteine.
Molecular consequence: missense variant.
Genome position (GRCh38, 1-based): chr6:7,576,347, A>G. VCF-style: chr6-7576347-A-G. GRCh37 (hg19) VCF-style: chr6-7576580-A-G.
Other names: p.Y895C:TAT>TGT; c.2684A>G, p.Tyr895Cys (NM_001008844.3, NM_001319034.2); short protein forms Y895C.
Identifiers: ClinVar variation 163257 (VCV000163257.37), dbSNP rs367752002, ClinGen allele CA005492.
Genomic context (GRCh38, chr6:7,576,347, plus strand): 5'-CCCCCAGGTTATGGGACCTGGAGAAACAAATCAAGCAATTGAGGAATTATCGTGATAACT[A>G]TCAGGCTTTCTGCAAGTGGCTCTATGATGCTAAACGCCGCCAGGATTCCTTAGAATCCAT-3'
Protein context (NP_004406.2, residues 885-905): IKQLRNYRDN[Tyr895Cys]QAFCKWLYDA